The following is an entry in ClinVar:

ClinVar aggregate classification (germline): Benign. Review status: criteria provided, multiple submitters, no conflicts (2 of 4 stars). 2 submissions from 2 submitters: Benign (2). Last evaluated 2018-06-16.

Allele frequency attached by ClinVar (database versions not stated): TOPMed 0.02798; 1000 Genomes Project 0.02815; 1000 Genomes Project 30x 0.02920.
gnomAD v4.1: 3,702 of 152,272 alleles (2.4%); highest among the groups gnomAD compares: African/African-American, 8.5%; 156 homozygotes.

Submissions (8):

GeneDx
Classification: Benign. Last evaluated: 2018-06-16. Review status: criteria provided, single submitter. Criteria: GeneDx Variant Classification (06012015). Collection method: clinical testing. Allele origin: germline. Affected: yes.
Comment: This variant is considered likely benign or benign based on one or more of the following criteria: it is a conservative change, it occurs at a poorly conserved position in the protein, it is predicted to be benign by multiple in silico algorithms, and/or has population frequency not consistent with disease.

Breakthrough Genomics
Classification: Benign. Review status: criteria provided, single submitter. Criteria: ACMG Guidelines, 2015. Collection method: not provided. Allele origin: germline. Inheritance: Autosomal recessive inheritance. Affected: yes.

Dr. Peter K. Rogan Lab, Western University
No classification provided (evidence only). Condition: Uterine corpus endometrial carcinoma. Review status: no classification provided. Collection method: in vitro. Allele origin: not applicable. Functional consequence: retained intron. Not counted in ClinVar's aggregate classification.

Dr. Peter K. Rogan Lab, Western University
No classification provided (evidence only). Condition: Cervical cancer. Review status: no classification provided. Collection method: in vitro. Allele origin: not applicable. Functional consequence: skipped exon. Not counted in ClinVar's aggregate classification.

Dr. Peter K. Rogan Lab, Western University
No classification provided (evidence only). Condition: Cervical cancer. Review status: no classification provided. Collection method: in vitro. Allele origin: not applicable. Functional consequence: retained intron. Not counted in ClinVar's aggregate classification.

Dr. Peter K. Rogan Lab, Western University
No classification provided (evidence only). Condition: Sarcoma. Review status: no classification provided. Collection method: in vitro. Allele origin: not applicable. Functional consequence: retained intron. Not counted in ClinVar's aggregate classification.

Dr. Peter K. Rogan Lab, Western University
No classification provided (evidence only). Condition: Ovarian serous cystadenocarcinoma. Review status: no classification provided. Collection method: in vitro. Allele origin: not applicable. Functional consequence: retained intron. Not counted in ClinVar's aggregate classification.

Dr. Peter K. Rogan Lab, Western University
No classification provided (evidence only). Condition: Uterine carcinosarcoma. Review status: no classification provided. Collection method: in vitro. Allele origin: not applicable. Functional consequence: retained intron. Not counted in ClinVar's aggregate classification.

NM_018972.4(GDAP1):c.485-238C>A

Gene: GDAP1 (ganglioside induced differentiation associated protein 1; plus strand). Cytogenetic location: 8q21.11.
Variant type: single nucleotide variant.
Coding change: c.485-238C>A on transcript NM_018972.4 (MANE Select); 238 bases into the intron before coding-DNA position 485, C replaced by A.
Molecular consequence: intron variant.
Genome position (GRCh38, 1-based): chr8:74,361,646, C>A. VCF-style: chr8-74361646-C-A. GRCh37 (hg19) VCF-style: chr8-75273881-C-A.
Other names: NC_000008.10:g.75273881C>A; c.485-238C>A (NM_001362931.2); c.311-238C>A (NM_001362930.2); c.158-238C>A (NM_001362929.2, NM_001362932.2); c.281-238C>A (NM_001040875.4).
Identifiers: ClinVar variation 677275 (VCV000677275.3), dbSNP rs138137016, ClinGen allele CA12864785.